The following is an entry in ClinVar:

NM_019095.6(CRLS1):c.867T>C (p.Tyr289=)

Gene: CRLS1 (cardiolipin synthase 1; plus strand). Cytogenetic location: 20p12.3.
Variant type: single nucleotide variant.
Coding change: c.867T>C on transcript NM_019095.6 (MANE Select); coding-DNA position 867, T replaced by C.
Protein change: p.Tyr289=; no amino-acid change (tyrosine 289 retained).
Molecular consequence: synonymous variant. On other transcripts: non-coding transcript variant (1).
Genome position (GRCh38, 1-based): chr20:6,037,119, T>C. VCF-style: chr20-6037119-T-C. GRCh37 (hg19) VCF-style: chr20-6017765-T-C.
Other names: c.570T>C, p.Tyr190= (NM_001127458.2); c.534T>C, p.Tyr178= (NM_001323561.2, NM_001323562.2, NM_001323563.2 and 1 more transcripts).
Identifiers: ClinVar variation 787574 (VCV000787574.12), dbSNP rs149380663, ClinGen allele CA9757357.
Genomic context (GRCh38, chr20:6,037,119, plus strand): 5'-TTTCTTCCATAAAAGGTGTTTTACAGCTTTCACCACAGCTGCATCAGCTTATAGTTACTA[T>C]CATTATGGCCGGAAGACTGTTCAGGTGATAAAAGACTGATGAAAGTCATCCCTCACTGTT-3'
Protein context (NP_061968.1, residues 279-299): FTTAASAYSY[Tyr289=]HYGRKTVQVI

ClinVar aggregate classification (germline): Likely benign. Review status: criteria provided, multiple submitters, no conflicts (2 of 4 stars). 3 submissions from 3 submitters: Likely benign (3). Last evaluated 2026-09-01.

Allele frequency attached by ClinVar (database versions not stated): ESP Exome Variant Server 0.00085; TOPMed 0.00103; 1000 Genomes Project 0.00120; 1000 Genomes Project 30x 0.00156.
gnomAD v4.1: 1,837 of 1,613,712 alleles (0.11%); highest among the groups gnomAD compares: Middle Eastern, 1.5%; 10 homozygotes.

Submissions (3):

CeGaT Center for Human Genetics Tuebingen
Classification: Likely benign. Last evaluated: 2026-09-01. Review status: criteria provided, single submitter. Criteria: CeGaT Center For Human Genetics Tuebingen Variant Classification Criteria Version 2. Collection method: clinical testing. Allele origin: germline. Affected: yes. Observed: 2 variant alleles.
Comment: CRLS1: BP4, BP7

Labcorp Genetics (formerly Invitae), Labcorp
Classification: Likely benign. Last evaluated: 2018-04-02. Review status: criteria provided, single submitter. Criteria: Invitae Variant Classification Sherloc (09022015). Collection method: clinical testing. Allele origin: germline.

Breakthrough Genomics
Classification: Likely benign. Review status: criteria provided, single submitter. Criteria: ACMG Guidelines, 2015. Collection method: not provided. Allele origin: germline. Inheritance: Autosomal recessive inheritance. Affected: yes.